The following is an entry in ClinVar:

NM_000428.3(LTBP2):c.4249C>A (p.Gln1417Lys)

Gene: LTBP2 (latent transforming growth factor beta binding protein 2; minus strand). Cytogenetic location: 14q24.3.
Variant type: single nucleotide variant.
Coding change: c.4249C>A on transcript NM_000428.3 (MANE Select); coding-DNA position 4249, C replaced by A.
Protein change: p.Gln1417Lys; replaces glutamine 1417 with lysine.
Molecular consequence: missense variant.
Genome position (GRCh38, 1-based): chr14:74,505,103, G>T on the plus strand (C>A on the coding strand, the complement: LTBP2 is on the minus strand). VCF-style: chr14-74505103-G-T. GRCh37 (hg19) VCF-style: chr14-74971806-G-T.
Other names: short protein forms Q1417K.
Identifiers: ClinVar variation 1376366 (VCV001376366.3), dbSNP rs754481746, ClinGen allele CA7268810.

ClinVar aggregate classification (germline): Uncertain significance (1 of 4 stars; one submission).

Allele frequency attached by ClinVar (database versions not stated): ExAC 0.00001; gnomAD 0.00001; gnomAD exomes 0.00001; TOPMed 0.00003.
gnomAD v4.1: 4 of 1,613,890 alleles (0.00025%); highest among the groups gnomAD compares: African/African-American, 0.0013%; no homozygotes.

Submission:

Labcorp Genetics (formerly Invitae), Labcorp
Classification: Uncertain significance. Last evaluated: 2022-03-18. Review status: criteria provided, single submitter. Criteria: Invitae Variant Classification Sherloc (09022015). Collection method: clinical testing. Allele origin: germline.
Comment: This sequence change replaces glutamine, which is neutral and polar, with lysine, which is basic and polar, at codon 1417 of the LTBP2 protein (p.Gln1417Lys). This variant is present in population databases (rs754481746, gnomAD 0.004%). This variant has not been reported in the literature in individuals affected with LTBP2-related conditions. Algorithms developed to predict the effect of missense changes on protein structure and function (SIFT, PolyPhen-2, Align-GVGD) all suggest that this variant is likely to be tolerated. In summary, the available evidence is currently insufficient to determine the role of this variant in disease. Therefore, it has been classified as a Variant of Uncertain Significance.